The following is an entry in ClinVar:

ClinVar aggregate classification (germline): Uncertain significance (1 of 4 stars; one submission).

Conditions:
Sulfite oxidase deficiency. Also called: Isolated sulfite oxidase deficiency. Identifiers: Orphanet 833, Orphanet 99731, MedGen C0268624, MONDO:0010089, OMIM 272300, HP:0003643.

Allele frequency attached by ClinVar (database versions not stated): gnomAD exomes 0.00001 and 0.00002.
gnomAD v4.1: 23 of 1,613,826 alleles (0.0014%); highest among the groups gnomAD compares: Non-Finnish European, 0.0018%; no homozygotes.

Submission:

Labcorp Genetics (formerly Invitae), Labcorp
Classification: Uncertain significance for Sulfite oxidase deficiency. Last evaluated: 2022-08-16. Review status: criteria provided, single submitter. Criteria: Invitae Variant Classification Sherloc (09022015). Collection method: clinical testing. Allele origin: germline.
Comment: This sequence change replaces glycine, which is neutral and non-polar, with aspartic acid, which is acidic and polar, at codon 47 of the SUOX protein (p.Gly47Asp). This variant is present in population databases (no rsID available, gnomAD 0.003%). This variant has not been reported in the literature in individuals affected with SUOX-related conditions. ClinVar contains an entry for this variant (Variation ID: 1052177). Algorithms developed to predict the effect of missense changes on protein structure and function output the following: SIFT: "Tolerated"; PolyPhen-2: "Benign"; Align-GVGD: "Class C0". The aspartic acid amino acid residue is found in multiple mammalian species, which suggests that this missense change does not adversely affect protein function. In summary, the available evidence is currently insufficient to determine the role of this variant in disease. Therefore, it has been classified as a Variant of Uncertain Significance.

NM_001032386.2(SUOX):c.140G>A (p.Gly47Asp)

Gene: SUOX (sulfite oxidase; plus strand). Cytogenetic location: 12q13.2.
Variant type: single nucleotide variant.
Coding change: c.140G>A on transcript NM_001032386.2 (MANE Select); coding-DNA position 140, G replaced by A.
Protein change: p.Gly47Asp; replaces glycine 47 with aspartic acid.
Molecular consequence: missense variant.
Genome position (GRCh38, 1-based): chr12:56,002,632, G>A. VCF-style: chr12-56002632-G-A. GRCh37 (hg19) VCF-style: chr12-56396416-G-A.
Other names: c.140G>A, p.Gly47Asp (NM_000456.3, NM_001032387.2); short protein forms G47D.
Identifiers: ClinVar variation 1052177 (VCV001052177.7), dbSNP rs1211397543, ClinGen allele CA385279533.
Genomic context (GRCh38, chr12:56,002,632, plus strand): 5'-TTCAGGCCTGCTCCACAAATGATTCATTTCAGCCCCAGCGCCCCAGCCTCACCTTCTCTG[G>A]TGATAACTCCAGCACCCAGGGATGGAGAGTCATGGGGACCCTATTAGGTCTCGGTGCAGT-3'
Protein context (NP_001027558.1, residues 37-57): QPQRPSLTFS[Gly47Asp]DNSSTQGWRV